The following is an entry in ClinVar:

NM_001267550.2(TTN):c.60820C>T (p.Pro20274Ser)

Genes: TTN (titin; minus strand), TTN-AS1 (TTN antisense RNA 1; plus strand). Cytogenetic location: 2q31.2.
Variant type: single nucleotide variant.
Coding change: c.60820C>T on transcript NM_001267550.2 (MANE Select); coding-DNA position 60820, C replaced by T.
Protein change: p.Pro20274Ser; replaces proline 20274 with serine.
Molecular consequence: missense variant.
Genome position (GRCh38, 1-based): chr2:178,590,905, G>A on the plus strand (C>T on the coding strand, the complement: TTN is on the minus strand). VCF-style: chr2-178590905-G-A. GRCh37 (hg19) VCF-style: chr2-179455632-G-A.
Other names: c.55897C>T, p.Pro18633Ser (NM_001256850.1); c.33625C>T, p.Pro11209Ser (NM_003319.4); c.53116C>T, p.Pro17706Ser (NM_133378.4); c.34000C>T, p.Pro11334Ser (NM_133432.3); c.34201C>T, p.Pro11401Ser (NM_133437.4); short protein forms P17706S, P20274S, P11401S, P11209S, P11334S, P18633S.
Identifiers: ClinVar variation 192162 (VCV000192162.1), dbSNP rs786205338, ClinGen allele CA238492.

ClinVar aggregate classification (germline): Likely benign (1 of 4 stars; one submission).

Submission:

Biesecker Lab/Clinical Genomics Section, National Institutes of Health
Classification: Likely benign. Last evaluated: 2013-06-24. Review status: criteria provided, single submitter. Criteria: Ng et al. (Circ Cardiovasc Genet. 2013). Collection method: research. Allele origin: unknown. Observed: 5 variant alleles. Study: ClinSeq.
Comment: The study set was not selected for affection status in relation to any cancer. Pathogenicity categories were based on literature curation. See Pubmed ID:23861362 for details.

Medical sequencing